The following is an entry in ClinVar:

ClinVar aggregate classification (germline): Uncertain significance (1 of 4 stars; one submission).

Allele frequency attached by ClinVar (database versions not stated): gnomAD exomes below 0.00001; ExAC 0.00001; gnomAD 0.00001; TOPMed 0.00001.

Submission:

Labcorp Genetics (formerly Invitae), Labcorp
Classification: Uncertain significance. Last evaluated: 2022-06-28. Review status: criteria provided, single submitter. Criteria: Invitae Variant Classification Sherloc (09022015). Collection method: clinical testing. Allele origin: germline.
Comment: This sequence change replaces phenylalanine, which is neutral and non-polar, with cysteine, which is neutral and slightly polar, at codon 32 of the LIPC protein (p.Phe32Cys). This variant is present in population databases (rs766043850, gnomAD 0.0009%). In summary, the available evidence is currently insufficient to determine the role of this variant in disease. Therefore, it has been classified as a Variant of Uncertain Significance. Algorithms developed to predict the effect of missense changes on protein structure and function are either unavailable or do not agree on the potential impact of this missense change (SIFT: "Tolerated"; PolyPhen-2: "Possibly Damaging"; Align-GVGD: "Class C0"). This variant has not been reported in the literature in individuals affected with LIPC-related conditions.

NM_000236.3(LIPC):c.95T>G (p.Phe32Cys)

Gene: LIPC (lipase C, hepatic type; plus strand). Cytogenetic location: 15q21.3.
Variant type: single nucleotide variant.
Coding change: c.95T>G on transcript NM_000236.3 (MANE Select); coding-DNA position 95, T replaced by G.
Protein change: p.Phe32Cys; replaces phenylalanine 32 with cysteine.
Molecular consequence: missense variant.
Genome position (GRCh38, 1-based): chr15:58,538,339, T>G. VCF-style: chr15-58538339-T-G. GRCh37 (hg19) VCF-style: chr15-58830538-T-G.
Other names: short protein forms F32C.
Identifiers: ClinVar variation 2176287 (VCV002176287.4), dbSNP rs766043850, ClinGen allele CA7584724.